The following is an entry in ClinVar:

ClinVar aggregate classification (germline): Uncertain significance (1 of 4 stars; one submission).

gnomAD v4.1: 4 of 1,609,550 alleles (0.00025%); highest among the groups gnomAD compares: African/African-American, 0.0054%; no homozygotes.

Submission:

Labcorp Genetics (formerly Invitae), Labcorp
Classification: Uncertain significance. Last evaluated: 2024-03-07. Review status: criteria provided, single submitter. Criteria: Invitae Variant Classification Sherloc (09022015). Collection method: clinical testing. Allele origin: germline.
Comment: This sequence change replaces phenylalanine, which is neutral and non-polar, with isoleucine, which is neutral and non-polar, at codon 493 of the JAK2 protein (p.Phe493Ile). This variant is present in population databases (rs776678096, gnomAD 0.008%). This variant has not been reported in the literature in individuals affected with JAK2-related conditions. Advanced modeling of protein sequence and biophysical properties (such as structural, functional, and spatial information, amino acid conservation, physicochemical variation, residue mobility, and thermodynamic stability) performed at Invitae indicates that this missense variant is not expected to disrupt JAK2 protein function with a negative predictive value of 80%. In summary, the available evidence is currently insufficient to determine the role of this variant in disease. Therefore, it has been classified as a Variant of Uncertain Significance.

NM_004972.4(JAK2):c.1477T>A (p.Phe493Ile)

Genes: INSL6 (insulin like 6; minus strand), JAK2 (Janus kinase 2; plus strand). Cytogenetic location: 9p24.1.
Variant type: single nucleotide variant.
Coding change: c.1477T>A on transcript NM_004972.4 (MANE Select); coding-DNA position 1477, T replaced by A.
Protein change: p.Phe493Ile; replaces phenylalanine 493 with isoleucine.
Molecular consequence: missense variant. On other transcripts: non-coding transcript variant (2).
Genome position (GRCh38, 1-based): chr9:5,069,172, T>A. VCF-style: chr9-5069172-T-A. GRCh37 (hg19) VCF-style: chr9-5069172-T-A.
Other names: c.1477T>A, p.Phe493Ile (NM_001322194.2, NM_001322195.2, NM_001322196.2); c.262T>A, p.Phe88Ile (NM_001322198.2, NM_001322199.2); c.1030T>A, p.Phe344Ile (NM_001322204.2); short protein forms F344I, F493I, F88I.
Identifiers: ClinVar variation 3621163 (VCV003621163.2).